The following is an entry in ClinVar:

NC_000004.11:g.(?_151604683)_(151604889_?)del

Gene: LRBA (LPS responsive beige-like anchor protein; minus strand). Cytogenetic location: 4q31.3.
Variant type: Deletion.
Identifiers: ClinVar variation 1074569 (VCV001074569.3).

ClinVar aggregate classification (germline): Pathogenic (1 of 4 stars; one submission).

Conditions:
Combined immunodeficiency due to LRBA deficiency. Also called: Common variable immunodeficiency 8, with autoimmunity. Identifiers: Orphanet 445018, MedGen C3553512, MONDO:0013863, OMIM 614700.

Submission:

Labcorp Genetics (formerly Invitae), Labcorp
Classification: Pathogenic for Combined immunodeficiency due to LRBA deficiency. Last evaluated: 2020-08-14. Review status: criteria provided, single submitter. Criteria: Invitae Variant Classification Sherloc (09022015). Collection method: clinical testing. Allele origin: germline.
Comment: This variant is an out-of-frame deletion of the genomic region encompassing exon(s) 37 of the LRBA gene. This is expected to create a premature translational stop signal and result in an absent or disrupted protein product. This variant has not been reported in the literature in individuals with LRBA-related conditions. Loss-of-function variants in LRBA are known to be pathogenic (PMID: 26206937, 26768763). For these reasons, this variant has been classified as Pathogenic.

Literature cited by the submitters: PubMed 26206937; PubMed 26768763.